The following is an entry in ClinVar:

ClinVar aggregate classification (germline): Uncertain significance (1 of 4 stars; one submission).

Conditions:
Developmental delay with or without dysmorphic facies and autism. Identifiers: MedGen C5193106, MONDO:0032760, OMIM 618454.

Submission:

3billion
Classification: Uncertain significance for Developmental delay with or without dysmorphic facies and autism. Last evaluated: 2023-12-21. Review status: criteria provided, single submitter. Criteria: ACMG Guidelines, 2015. Collection method: clinical testing. Allele origin: germline. Affected: yes.
Comment: The variant is not observed in the gnomAD v2.1.1 dataset. Predicted Consequence/Location: Missense changes are a common disease-causing mechanism. Damaging effect on gene or gene product predicted by in silico programs is uncertain [REVEL: 0.22 (damaging >=0.6, benign <0.4), 3Cnet: 0.60 (damaging >=0.6, benign <0.15)]. Therefore, this variant is classified as VUS according to the recommendation of ACMG/AMP guideline.

NM_001375524.1(TRRAP):c.3545C>T (p.Thr1182Ile)

Gene: TRRAP (transformation/transcription domain associated protein; plus strand). Cytogenetic location: 7q22.1.
Variant type: single nucleotide variant.
Coding change: c.3545C>T on transcript NM_001375524.1 (MANE Select); coding-DNA position 3545, C replaced by T.
Protein change: p.Thr1182Ile; replaces threonine 1182 with isoleucine.
Molecular consequence: missense variant.
Genome position (GRCh38, 1-based): chr7:98,930,784, C>T. VCF-style: chr7-98930784-C-T. GRCh37 (hg19) VCF-style: chr7-98528407-C-T.
Other names: c.3545C>T, p.Thr1182Ile (NM_001244580.2, NM_003496.4); short protein forms T1182I.
Identifiers: ClinVar variation 3776175 (VCV003776175.1).